The following is an entry in ClinVar:

ClinVar aggregate classification (germline): Uncertain significance (1 of 4 stars; one submission).

Submission:

Labcorp Genetics (formerly Invitae), Labcorp
Classification: Uncertain significance. Last evaluated: 2025-10-22. Review status: criteria provided, single submitter. Criteria: Invitae Variant Classification Sherloc (09022015). Collection method: clinical testing. Allele origin: germline.
Comment: This variant, c.1016_1018del, results in the deletion of 1 amino acid(s) of the UTP4 protein (p.Ser339del), but otherwise preserves the integrity of the reading frame. This variant is not present in population databases (gnomAD no frequency). This variant has not been reported in the literature in individuals affected with UTP4-related conditions. Experimental studies and prediction algorithms are not available or were not evaluated, and the functional significance of this variant is currently unknown. In summary, the available evidence is currently insufficient to determine the role of this variant in disease. Therefore, it has been classified as a Variant of Uncertain Significance.

NM_032830.3(UTP4):c.1016_1018del (p.Ser339del)

Gene: UTP4 (UTP4 small subunit processome component). Cytogenetic location: 16q22.1.
Variant type: Deletion.
Coding change: c.1016_1018del on transcript NM_032830.3 (MANE Select); coding-DNA positions 1016 to 1018, 3 bases deleted.
Protein change: p.Ser339del; deletes serine 339.
Molecular consequence: inframe deletion.
Genome position: GRCh38 VCF-style: chr16-69153594-TCTC-T. GRCh37 (hg19) VCF-style: chr16-69187497-TCTC-T.
Other names: c.767_769del, p.Ser256del (NM_001318391.2); short protein forms S256del, S339del.
Identifiers: ClinVar variation 4729667 (VCV004729667.1).